The following is an entry in ClinVar:

ClinVar aggregate classification (germline): Benign/Likely benign. Review status: criteria provided, multiple submitters, no conflicts (2 of 4 stars). 16 submissions from 13 submitters: Benign (7); Likely benign (6). 3 of the submissions do not count toward it. Last evaluated 2026-03-27.

Conditions:
Dilated cardiomyopathy 1G (CMD1G). Identifiers: Orphanet 154, MedGen C1858763, MONDO:0011400, OMIM 604145.
Autosomal recessive limb-girdle muscular dystrophy type 2J (LGMDR10). Also called: MUSCULAR DYSTROPHY, LIMB-GIRDLE, AUTOSOMAL RECESSIVE 10; Limb-girdle muscular dystrophy, type 2J. Identifiers: Orphanet 140922, MedGen C1837342, MONDO:0012127, OMIM 608807.
TTN-related disorder. Also called: TTN-related disorders; TTN-related condition; TTN-related disease.
Cardiovascular phenotype. Identifiers: MedGen CN230736.
Early-onset myopathy with fatal cardiomyopathy (CMYO5). Also called: CONGENITAL MYOPATHY 5 WITH CARDIOMYOPATHY; Salih Myopathy. Identifiers: Orphanet 289377, MedGen C2673677, MONDO:0012714, OMIM 611705. Disease mechanism: loss of function.
Myopathy, myofibrillar, 9, with early respiratory failure (MFM9). Also called: Myopathy, distal, with early respiratory failure, autosomal dominant; Hereditary myopathy with early respiratory failure; MYOPATHY, PROXIMAL, WITH EARLY RESPIRATORY MUSCLE INVOLVEMENT; EDSTROM MYOPATHY. Identifiers: Orphanet 178464, Orphanet 34521, MedGen C1863599, MONDO:0011362, OMIM 603689.
Tibial muscular dystrophy (TMD). Also called: Udd Distal Myopathy – Tibial Muscular Dystrophy; Tibial muscular dystrophy, tardive; UDD MYOPATHY. Identifiers: Orphanet 609, MedGen C1838244, MONDO:0010870, OMIM 600334.

Allele frequency attached by ClinVar (database versions not stated): TOPMed 0.00078; ESP Exome Variant Server 0.00116; 1000 Genomes Project 30x 0.00141; 1000 Genomes Project 0.00100.
gnomAD v4.1: 216 of 1,613,744 alleles (0.013%); highest among the groups gnomAD compares: African/African-American, 0.23%; no homozygotes.

Submissions (16):

Molecular Diagnostic Laboratory for Inherited Cardiovascular Disease, Montreal Heart Institute
Classification: Likely benign. Last evaluated: 2026-03-27. Review status: criteria provided, single submitter. Criteria: ACMG Guidelines, 2015. Collection method: clinical testing. Allele origin: germline. Affected: no.
Comment: BS1;BP7

Labcorp Genetics (formerly Invitae), Labcorp
Classification: Benign for Dilated cardiomyopathy 1G; Autosomal recessive limb-girdle muscular dystrophy type 2J. Last evaluated: 2026-02-02. Review status: criteria provided, single submitter. Criteria: Invitae Variant Classification Sherloc (09022015). Collection method: clinical testing. Allele origin: germline.

CeGaT Center for Human Genetics Tuebingen
Classification: Likely benign. Last evaluated: 2024-05-01. Review status: criteria provided, single submitter. Criteria: CeGaT Center For Human Genetics Tuebingen Variant Classification Criteria Version 2. Collection method: clinical testing. Allele origin: germline. Affected: yes. Observed: 1 variant allele.
Comment: TTN: BP4, BP7

Blueprint Genetics
Classification: Likely benign. Last evaluated: 2023-09-11. Review status: criteria provided, single submitter. Criteria: ACMG Guidelines, 2015. Collection method: clinical testing. Allele origin: germline.

Women's Health and Genetics/Laboratory Corporation of America, LabCorp
Classification: Likely benign. Last evaluated: 2022-08-15. Review status: criteria provided, single submitter. Criteria: LabCorp Variant Classification Summary - May 2015. Collection method: clinical testing. Allele origin: germline.

Genome-Nilou Lab
Classification: Benign for Autosomal recessive limb-girdle muscular dystrophy type 2J. Last evaluated: 2021-09-10. Review status: criteria provided, single submitter. Criteria: ACMG Guidelines, 2015. Collection method: clinical testing. Allele origin: germline. Affected: no.

Genome-Nilou Lab
Classification: Benign for Myopathy, myofibrillar, 9, with early respiratory failure. Last evaluated: 2021-09-10. Review status: criteria provided, single submitter. Criteria: ACMG Guidelines, 2015. Collection method: clinical testing. Allele origin: germline. Affected: no.

Genome-Nilou Lab
Classification: Benign for Early-onset myopathy with fatal cardiomyopathy. Last evaluated: 2021-09-10. Review status: criteria provided, single submitter. Criteria: ACMG Guidelines, 2015. Collection method: clinical testing. Allele origin: germline. Affected: no.

Genome-Nilou Lab
Classification: Benign for Tibial muscular dystrophy. Last evaluated: 2021-09-10. Review status: criteria provided, single submitter. Criteria: ACMG Guidelines, 2015. Collection method: clinical testing. Allele origin: germline. Affected: no.

Eurofins Ntd Llc (ga)
Classification: Likely benign. Last evaluated: 2015-06-11. Review status: criteria provided, single submitter. Criteria: EGL Classification Definitions 2015. Collection method: clinical testing. Allele origin: germline. Observed: 1 variant allele, 1 heterozygote.

GeneDx
Classification: Benign. Last evaluated: 2014-09-15. Review status: criteria provided, single submitter. Criteria: GeneDx Variant Classification (06012015). Collection method: clinical testing. Allele origin: germline. Affected: yes.
Comment: This variant is considered likely benign or benign based on one or more of the following criteria: it is a conservative change, it occurs at a poorly conserved position in the protein, it is predicted to be benign by multiple in silico algorithms, and/or has population frequency not consistent with disease.

Ambry Genetics
Classification: Likely benign for Cardiovascular phenotype. Last evaluated: 2013-11-22. Review status: criteria provided, single submitter. Criteria: Ambry Autosomal Dominant and X-Linked criteria (10/2015). Collection method: clinical testing. Allele origin: germline. Observed: 1 variant allele.

Laboratory for Molecular Medicine, Mass General Brigham Personalized Medicine
Classification: Benign. Last evaluated: 2012-04-18. Review status: criteria provided, single submitter. Criteria: LMM Criteria. Collection method: clinical testing. Allele origin: germline. Observed: 2 variant alleles.
Comment: Leu30339Leu in exon 302 of TTN: This variant is not expected to have clinical si gnificance because it does not alter an amino acid residue, is not located withi n the splice consensus sequence, and it has been identified in 0.4% (13/3146) of African American chromosomes from a broad population by the NHLBI Exome Sequenc ing Project

PreventionGenetics, part of Exact Sciences
Classification: Likely benign for TTN-related condition. Last evaluated: 2020-01-28. Review status: no assertion criteria provided. Collection method: clinical testing. Allele origin: germline. Not counted in ClinVar's aggregate classification.
Comment: This variant is classified as likely benign based on ACMG/AMP sequence variant interpretation guidelines (Richards et al. 2015 PMID: 25741868, with internal and published modifications).

Clinical Genetics DNA and cytogenetics Diagnostics Lab, Erasmus MC, Erasmus Medical Center
Classification: Likely benign. Review status: no assertion criteria provided. Collection method: clinical testing. Allele origin: germline. Affected: yes. Study: VKGL Data-share Consensus. Not counted in ClinVar's aggregate classification.

Diagnostic Laboratory, Department of Genetics, University Medical Center Groningen
Classification: Likely benign. Review status: no assertion criteria provided. Collection method: clinical testing. Allele origin: germline. Affected: yes. Study: VKGL Data-share Consensus. Not counted in ClinVar's aggregate classification.

NM_001267550.2(TTN):c.98721C>A (p.Leu32907=)

Genes: TTN (titin; minus strand), TTN-AS1 (TTN antisense RNA 1; plus strand). Cytogenetic location: 2q31.2.
Variant type: single nucleotide variant.
Coding change: c.98721C>A on transcript NM_001267550.2 (MANE Select); coding-DNA position 98721, C replaced by A.
Protein change: p.Leu32907=; no amino-acid change (leucine 32907 retained).
Molecular consequence: synonymous variant. On other transcripts: non-coding transcript variant (1).
Genome position (GRCh38, 1-based): chr2:178,539,214, G>T on the plus strand (C>A on the coding strand, the complement: TTN is on the minus strand). VCF-style: chr2-178539214-G-T. GRCh37 (hg19) VCF-style: chr2-179403941-G-T.
Other names: p.L31266L:CTC>CTA; c.71526C>A, p.Leu23842= (NM_003319.4); c.91017C>A, p.Leu30339= (NM_133378.4); c.71901C>A, p.Leu23967= (NM_133432.3); c.72102C>A, p.Leu24034= (NM_133437.4); c.93798C>A, p.Leu31266= (NM_001256850.1).
Identifiers: ClinVar variation 47607 (VCV000047607.50), dbSNP rs375361462, ClinGen allele CA284179.